The following is an entry in ClinVar:

NM_032229.3(SLITRK6):c.1232C>G (p.Thr411Arg)

Gene: SLITRK6 (SLIT and NTRK like family member 6; minus strand). Cytogenetic location: 13q31.1.
Variant type: single nucleotide variant.
Coding change: c.1232C>G on transcript NM_032229.3 (MANE Select); coding-DNA position 1232, C replaced by G.
Protein change: p.Thr411Arg; replaces threonine 411 with arginine.
Molecular consequence: missense variant.
Genome position (GRCh38, 1-based): chr13:85,795,277, G>C on the plus strand (C>G on the coding strand, the complement: SLITRK6 is on the minus strand). VCF-style: chr13-85795277-G-C. GRCh37 (hg19) VCF-style: chr13-86369412-G-C.
Other names: short protein forms T411R.
Identifiers: ClinVar variation 729330 (VCV000729330.11), dbSNP rs530177141, ClinGen allele CA7015137.

ClinVar aggregate classification (germline): Likely benign. Review status: criteria provided, multiple submitters, no conflicts (2 of 4 stars). 3 submissions from 3 submitters: Likely benign (2). 1 of the submissions does not count toward it. Last evaluated 2024-03-18.

Conditions:
SLITRK6-related disorder. Also called: SLITRK6-related condition.

Allele frequency attached by ClinVar (database versions not stated): 1000 Genomes Project 30x 0.00141; TOPMed 0.00003; 1000 Genomes Project 0.00120.
gnomAD v4.1: 390 of 1,612,650 alleles (0.024%); highest among the groups gnomAD compares: South Asian, 0.4%; 1 homozygote.

Submissions (3):

Labcorp Genetics (formerly Invitae), Labcorp
Classification: Likely benign. Last evaluated: 2024-03-18. Review status: criteria provided, single submitter. Criteria: Invitae Variant Classification Sherloc (09022015). Collection method: clinical testing. Allele origin: germline.

GeneDx
Classification: Likely benign. Last evaluated: 2021-05-24. Review status: criteria provided, single submitter. Criteria: GeneDx Variant Classification Process June 2021. Collection method: clinical testing. Allele origin: germline. Affected: yes.
Comment: See Variant Classification Assertion Criteria.

PreventionGenetics, part of Exact Sciences
Classification: Likely benign for SLITRK6-related condition. Last evaluated: 2023-04-11. Review status: no assertion criteria provided. Collection method: clinical testing. Allele origin: germline. Not counted in ClinVar's aggregate classification.
Comment: This variant is classified as likely benign based on ACMG/AMP sequence variant interpretation guidelines (Richards et al. 2015 PMID: 25741868, with internal and published modifications).